The following is an entry in ClinVar:

NM_000038.6(APC):c.5268T>A (p.Ser1756=)

Gene: APC (APC regulator of Wnt signaling pathway; plus strand). Cytogenetic location: 5q22.2.
Variant type: single nucleotide variant.
Coding change: c.5268T>A on transcript NM_000038.6 (MANE Select); coding-DNA position 5268, T replaced by A.
Protein change: p.Ser1756=; no amino-acid change (serine 1756 retained).
Molecular consequence: synonymous variant.
Genome position (GRCh38, 1-based): chr5:112,840,862, T>A. VCF-style: chr5-112840862-T-A. GRCh37 (hg19) VCF-style: chr5-112176559-T-A.
Other names: c.5268T>A, p.Ser1756= (NM_001127510.3, NM_001354895.2); c.5214T>A, p.Ser1738= (NM_001127511.3); c.5322T>A, p.Ser1774= (NM_001354896.2); c.5298T>A, p.Ser1766= (NM_001354897.2); c.5193T>A, p.Ser1731= (NM_001354898.2); c.5184T>A, p.Ser1728= (NM_001354899.2); c.5145T>A, p.Ser1715= (NM_001354900.2); c.5091T>A, p.Ser1697= (NM_001354901.2); and 5 more.
Identifiers: ClinVar variation 186718 (VCV000186718.36), dbSNP rs866006, ClinGen allele CA009999.
Genomic context (GRCh38, chr5:112,840,862, plus strand): 5'-AAGTCACAAGCCTTTCCGTGTGAAAAAGATAATGGACCAGGTCCAGCAAGCATCTGCGTC[T>A]TCTTCTGCACCCAACAAAAATCAGTTAGATGGTAAGAAAAAGAAACCAACTTCACCAGTA-3'
Protein context (NP_000029.2, residues 1746-1766): IMDQVQQASA[Ser1756=]SSAPNKNQLD

ClinVar aggregate classification (germline): Benign/Likely benign. Review status: criteria provided, multiple submitters, no conflicts (2 of 4 stars). 12 submissions from 12 submitters: Benign (3); Likely benign (8). 1 of the submissions does not count toward it. Last evaluated 2026-05-01.

Conditions:
APC-related disorder. Also called: APC-related condition.
APC-Associated Polyposis Disorders.
Hereditary cancer-predisposing syndrome. Also called: Tumor predisposition; Neoplastic Syndromes, Hereditary; Hereditary Cancer Syndrome; Hereditary neoplastic syndrome. Identifiers: Orphanet 140162, MedGen C0027672, MeSH D009386, MONDO:0015356.
Familial adenomatous polyposis 1 (FAP1). Also called: POLYPOSIS, ADENOMATOUS INTESTINAL; FAMILIAL ADENOMATOUS POLYPOSIS 1, ATTENUATED. Identifiers: MedGen C2713442, MONDO:0021056, OMIM 175100. Disease mechanism: loss of function.

gnomAD v4.1: 117 of 1,613,742 alleles (0.0073%); highest among the groups gnomAD compares: East Asian, 0.016%; no homozygotes.

Submissions (12):

CeGaT Center for Human Genetics Tuebingen
Classification: Likely benign. Last evaluated: 2026-05-01. Review status: criteria provided, single submitter. Criteria: CeGaT Center For Human Genetics Tuebingen Variant Classification Criteria Version 2. Collection method: clinical testing. Allele origin: germline. Affected: yes. Observed: 2 variant alleles.
Comment: APC: BP4, BP7

Labcorp Genetics (formerly Invitae), Labcorp
Classification: Likely benign for Familial adenomatous polyposis 1. Last evaluated: 2026-01-05. Review status: criteria provided, single submitter. Criteria: Invitae Variant Classification Sherloc (09022015). Collection method: clinical testing. Allele origin: germline.

Center for Genomic Medicine, Rigshospitalet, Copenhagen University Hospital
Classification: Likely benign. Last evaluated: 2025-12-29. Review status: criteria provided, single submitter. Criteria: ACMG Guidelines, 2015. Collection method: clinical testing. Allele origin: germline.
Comment: Classification criteria: BP4 + BP7

Quest Diagnostics Nichols Institute San Juan Capistrano
Classification: Likely benign. Last evaluated: 2023-04-26. Review status: criteria provided, single submitter. Criteria: Quest Diagnostics criteria. Collection method: clinical testing. Allele origin: unknown.

Blueprint Genetics
Classification: Likely benign. Last evaluated: 2022-06-03. Review status: criteria provided, single submitter. Criteria: ACMG Guidelines, 2015. Collection method: clinical testing. Allele origin: germline.

Sema4
Classification: Likely benign for Hereditary cancer-predisposing syndrome. Last evaluated: 2020-08-10. Review status: criteria provided, single submitter. Criteria: Sema4 Curation Guidelines. Collection method: curation. Allele origin: germline.

Women's Health and Genetics/Laboratory Corporation of America, LabCorp
Classification: Benign. Last evaluated: 2019-01-18. Review status: criteria provided, single submitter. Criteria: LabCorp Variant Classification Summary - May 2015. Collection method: clinical testing. Allele origin: germline.
Comment: Variant summary: APC c.5268T>A alters a non-conserved nucleotide resulting in a synonymous change. 5/5 computational tools predict no significant impact on normal splicing. However, these predictions have yet to be confirmed by functional studies. The variant allele was found at a frequency of 7.3e-05 in 245272 control chromosomes. The observed variant frequency is approximately equal to the estimated maximal expected allele frequency for a pathogenic variant in APC causing Familial Adenomatous Polyposis phenotype (7.1e-05), strongly suggesting that the variant is benign. c.5268T>A has been reported in the literature in individuals (Zhou_2004). These report(s) do not provide unequivocal conclusions about association of the variant with Familial Adenomatous Polyposis. To our knowledge, no experimental evidence demonstrating an impact on protein function has been reported. Four clinical diagnostic laboratories have submitted clinical-significance assessments for this variant to ClinVar after 2014 without evidence for independent evaluation. All laboratories classified the variant as benign/likely benign. Based on the evidence outlined above, the variant was classified as benign.

Illumina Laboratory Services, Illumina
Classification: Benign for APC-Associated Polyposis Disorders. Last evaluated: 2017-09-07. Review status: criteria provided, single submitter. Criteria: ICSL Variant Classification Criteria 13 December 2019. Collection method: clinical testing. Allele origin: germline.
Comment: This variant was observed as part of a predisposition screen in an ostensibly healthy population. A literature search was performed for the gene, cDNA change, and amino acid change (where applicable). Publications were found based on this search. The evidence from the literature, in combination with allele frequency data from public databases where available, was sufficient to rule this variant out of causing disease. Therefore, this variant is classified as benign.

Color Diagnostics, LLC DBA Color Health
Classification: Likely benign for Hereditary cancer-predisposing syndrome. Last evaluated: 2016-11-22. Review status: criteria provided, single submitter. Criteria: ACMG Guidelines, 2015. Collection method: clinical testing. Allele origin: germline.

GeneDx
Classification: Benign. Last evaluated: 2015-07-20. Review status: criteria provided, single submitter. Criteria: GeneDx Variant Classification (06012015). Collection method: clinical testing. Allele origin: germline. Affected: yes.
Comment: This variant is considered likely benign or benign based on one or more of the following criteria: it is a conservative change, it occurs at a poorly conserved position in the protein, it is predicted to be benign by multiple in silico algorithms, and/or has population frequency not consistent with disease.

Ambry Genetics
Classification: Likely benign for Hereditary cancer-predisposing syndrome. Last evaluated: 2014-11-18. Review status: criteria provided, single submitter. Criteria: Ambry Variant Classification Scheme 2023. Collection method: clinical testing. Allele origin: germline.

PreventionGenetics, part of Exact Sciences
Classification: Likely benign for APC-related condition. Last evaluated: 2020-03-20. Review status: no assertion criteria provided. Collection method: clinical testing. Allele origin: germline. Not counted in ClinVar's aggregate classification.
Comment: This variant is classified as likely benign based on ACMG/AMP sequence variant interpretation guidelines (Richards et al. 2015 PMID: 25741868, with internal and published modifications).

Literature cited by the submitters: PubMed 23085758 (cited by Quest Diagnostics Nichols Institute San Juan Capistrano); PubMed 15122587 (cited by Women's Health and Genetics/Laboratory Corporation of America, LabCorp and Ambry Genetics); PubMed 11818965 (cited by Illumina Laboratory Services, Illumina); PubMed 21110124 (cited by Ambry Genetics).